The following is an entry in ClinVar:

NM_000038.6(APC):c.2644A>T (p.Thr882Ser)

Gene: APC (APC regulator of Wnt signaling pathway; plus strand). Cytogenetic location: 5q22.2.
Variant type: single nucleotide variant.
Coding change: c.2644A>T on transcript NM_000038.6 (MANE Select); coding-DNA position 2644, A replaced by T.
Protein change: p.Thr882Ser; replaces threonine 882 with serine.
Molecular consequence: missense variant.
Genome position (GRCh38, 1-based): chr5:112,838,238, A>T. VCF-style: chr5-112838238-A-T. GRCh37 (hg19) VCF-style: chr5-112173935-A-T.
Other names: c.2644A>T, p.Thr882Ser (NM_001127510.3, NM_001354895.2); c.2590A>T, p.Thr864Ser (NM_001127511.3); c.2698A>T, p.Thr900Ser (NM_001354896.2); c.2674A>T, p.Thr892Ser (NM_001354897.2); c.2569A>T, p.Thr857Ser (NM_001354898.2); c.2560A>T, p.Thr854Ser (NM_001354899.2); c.2521A>T, p.Thr841Ser (NM_001354900.2); c.2467A>T, p.Thr823Ser (NM_001354901.2); and 5 more; short protein forms T781S, T857S, T791S, T823S, T854S, T900S, T599S, T864S.
Identifiers: ClinVar variation 821623 (VCV000821623.8), dbSNP rs761780458, ClinGen allele CA032951.

ClinVar aggregate classification (germline): Uncertain significance. Review status: criteria provided, multiple submitters, no conflicts (2 of 4 stars). 2 submissions from 2 submitters: Uncertain significance (2). Last evaluated 2025-11-03.

Conditions:
Familial adenomatous polyposis 1 (FAP1). Also called: FAMILIAL ADENOMATOUS POLYPOSIS 1, ATTENUATED; POLYPOSIS, ADENOMATOUS INTESTINAL. Identifiers: MedGen C2713442, MONDO:0021056, OMIM 175100. Disease mechanism: loss of function.
Hereditary cancer-predisposing syndrome. Also called: Tumor predisposition; Hereditary Cancer Syndrome; Neoplastic Syndromes, Hereditary; Hereditary neoplastic syndrome. Identifiers: Orphanet 140162, MedGen C0027672, MeSH D009386, MONDO:0015356.

Submissions (2):

Ambry Genetics
Classification: Uncertain significance for Hereditary cancer-predisposing syndrome. Last evaluated: 2025-11-03. Review status: criteria provided, single submitter. Criteria: Ambry Variant Classification Scheme 2023. Collection method: clinical testing. Allele origin: germline.
Comment: The p.T882S variant (also known as c.2644A>T), located in coding exon 15 of the APC gene, results from an A to T substitution at nucleotide position 2644. The threonine at codon 882 is replaced by serine, an amino acid with similar properties. This amino acid position is not well conserved in available vertebrate species. In addition, in silico predictors for this gene do not accurately predict pathogenicity. Missense variants in APC are not a common cause of disease (Spier I et al. Genet Med. 2024 Feb;26(2):100992). Since supporting evidence is limited at this time, the clinical significance of this alteration remains unclear.

Labcorp Genetics (formerly Invitae), Labcorp
Classification: Uncertain significance for Familial adenomatous polyposis 1. Last evaluated: 2025-08-13. Review status: criteria provided, single submitter. Criteria: Invitae Variant Classification Sherloc (09022015). Collection method: clinical testing. Allele origin: germline.
Comment: This sequence change replaces threonine, which is neutral and polar, with serine, which is neutral and polar, at codon 882 of the APC protein (p.Thr882Ser). This variant is present in population databases (rs761780458, gnomAD 0.003%). This variant has not been reported in the literature in individuals affected with APC-related conditions. ClinVar contains an entry for this variant (Variation ID: 821623). Invitae Evidence Modeling of protein sequence and biophysical properties (such as structural, functional, and spatial information, amino acid conservation, physicochemical variation, residue mobility, and thermodynamic stability) indicates that this missense variant is not expected to disrupt APC protein function with a negative predictive value of 95%. In summary, the available evidence is currently insufficient to determine the role of this variant in disease. Therefore, it has been classified as a Variant of Uncertain Significance.